The following is an entry in ClinVar:

NM_004859.4(CLTC):c.4042-10_4042-7del

Genes: CLTC (clathrin heavy chain; plus strand), LOC126862609 (CDK7 strongly-dependent group 2 enhancer GRCh37_chr17:57760547-57761746; plus strand). Cytogenetic location: 17q23.1.
Variant type: Microsatellite.
Coding change: c.4042-10_4042-7del on transcript NM_004859.4 (MANE Select); 10 bases into the intron before coding-DNA position 4042 through 7 bases into the intron before coding-DNA position 4042, 4 bases deleted (TCTT; older notation c.4042-10_4042-7delTCTT).
Molecular consequence: intron variant.
Genome position (GRCh38, 1-based): chr17:59,683,377-59,683,380, TCTT deleted; deleting any 4 consecutive bases within chr17:59,683,373-59,683,380 gives the same sequence; the c. name uses the placement nearest the transcript's 3' end. VCF-style (leftmost placement, unchanged base first): chr17-59683372-GTCTT-G. GRCh37 (hg19) VCF-style: chr17-57760733-GTCTT-G.
Other names: NC_000017.10:g.57760738_57760741del; c.4054-10_4054-7del (NM_001288653.2); c.4054-10_4054-7delTCTT (NM_001288653.1); c.4042-10_4042-7delTCTT (NM_004859.4).
Identifiers: ClinVar variation 1621692 (VCV001621692.13), dbSNP rs774338520, ClinGen allele CA8681685.

ClinVar aggregate classification (germline): Benign/Likely benign. Review status: criteria provided, multiple submitters, no conflicts (2 of 4 stars). 4 submissions from 4 submitters: Benign (2); Likely benign (1). 1 of the submissions does not count toward it. Last evaluated 2026-04-07.

Conditions:
CLTC-related disorder. Also called: CLTC-related condition.

Submissions (5):

Women's Health and Genetics/Laboratory Corporation of America, LabCorp
Classification: Benign. Last evaluated: 2026-04-07. Review status: criteria provided, single submitter. Criteria: LabCorp Variant Classification Summary - May 2015. Collection method: clinical testing. Allele origin: germline.
Comment: Variant summary: CLTC c.4042-10_4042-7delTCTT alters a nucleotide located at a position not widely known to affect splicing. Several computational tools predict a significant impact on normal splicing: Three predict the variant abolishes a 3' acceptor site. One predict the variant weakens a 3' acceptor site. However, these predictions have yet to be confirmed by functional studies. The variant allele was found at a frequency of 0.00078 in 242428 control chromosomes, predominantly at a frequency of 0.0046 within the Finnish subpopulation in the gnomAD database, including 1 homozygote. The observed variant frequency within Finnish control individuals in the gnomAD database exceeds the estimated maximal expected allele frequency for disease-causing variants in CLTC. To our knowledge, no occurrence of c.4042-10_4042-7delTCTT in individuals affected with CLTC-related conditions and no experimental evidence demonstrating its impact on protein function have been reported. ClinVar contains an entry for this variant (Variation ID: 1621692). Based on the evidence outlined above, the variant was classified as benign.

Labcorp Genetics (formerly Invitae), Labcorp
Classification: Benign. Last evaluated: 2026-01-28. Review status: criteria provided, single submitter. Criteria: Invitae Variant Classification Sherloc (09022015). Collection method: clinical testing. Allele origin: germline.

Blueprint Genetics
Classification: Likely benign. Last evaluated: 2024-11-27. Review status: criteria provided, single submitter. Criteria: ACMG Guidelines, 2015. Collection method: clinical testing. Allele origin: germline.

PreventionGenetics, part of Exact Sciences
Classification: Benign for CLTC-related condition. Last evaluated: 2022-09-14. Review status: no assertion criteria provided. Collection method: clinical testing. Allele origin: germline. Not counted in ClinVar's aggregate classification.
Comment: This variant is classified as benign based on ACMG/AMP sequence variant interpretation guidelines (Richards et al. 2015 PMID: 25741868, with internal and published modifications).

Dr. Peter K. Rogan Lab, Western University
No classification provided (evidence only). Condition: Colon adenocarcinoma. Review status: no classification provided. Collection method: in vitro. Allele origin: not applicable. Functional consequence: retained intron. Not counted in ClinVar's aggregate classification.